The following is an entry in ClinVar:

ClinVar aggregate classification (germline): Uncertain significance (1 of 4 stars; one submission).

Conditions:
Inborn genetic diseases. Identifiers: MedGen C0950123, MeSH D030342.

gnomAD v4.1: 3 of 1,612,330 alleles (0.00019%); highest among the groups gnomAD compares: Non-Finnish European, 0.00017%; no homozygotes.

Submission:

Ambry Genetics
Classification: Uncertain significance for Inborn genetic diseases. Last evaluated: 2025-02-06. Review status: criteria provided, single submitter. Criteria: Ambry Variant Classification Scheme 2023. Collection method: clinical testing. Allele origin: germline.
Comment: The c.756C>G (p.Y252*) alteration, located in exon 6 (coding exon 6) of the STUB1 gene, consists of a C to G substitution at nucleotide position 756. This changes the amino acid from a tyrosine (Y) to a stop codon at amino acid position 252. This variant is not expected to trigger nonsense-mediated mRNA decay, and impacts the last 17.2% of the protein. The exact functional effect of this alteration is unknown. This variant was not reported in population-based cohorts in the Genome Aggregation Database (gnomAD). Based on insufficient or conflicting evidence, the clinical significance of this alteration remains unclear.

NM_005861.4(STUB1):c.756C>G (p.Tyr252Ter)

Genes: JMJD8 (jumonji domain containing 8; minus strand), STUB1 (STIP1 homology and U-box containing protein 1; plus strand). Cytogenetic location: 16p13.3.
Variant type: single nucleotide variant.
Coding change: c.756C>G on transcript NM_005861.4 (MANE Select); coding-DNA position 756, C replaced by G.
Protein change: p.Tyr252Ter; replaces tyrosine 252 with a stop codon.
Molecular consequence: nonsense. On other transcripts: 3 prime UTR variant (5), non-coding transcript variant (3).
Genome position (GRCh38, 1-based): chr16:682,251, C>G. VCF-style: chr16-682251-C-G. GRCh37 (hg19) VCF-style: chr16-732251-C-G.
Other names: c.540C>G, p.Tyr180Ter (NM_001293197.2); c.*543G>C (NM_001005920.4, NM_001323919.3, NM_001323920.3); c.*577G>C (NM_001323918.3, NM_001323922.3); short protein forms Y180*, Y252*.
Identifiers: ClinVar variation 3802722 (VCV003802722.1).